The following is an entry in ClinVar:

NM_203447.4(DOCK8):c.3922G>C (p.Asp1308His)

Gene: DOCK8 (dedicator of cytokinesis 8; plus strand). Cytogenetic location: 9p24.3.
Variant type: single nucleotide variant.
Coding change: c.3922G>C on transcript NM_203447.4 (MANE Select); coding-DNA position 3922, G replaced by C.
Protein change: p.Asp1308His; replaces aspartic acid 1308 with histidine.
Molecular consequence: missense variant.
Genome position (GRCh38, 1-based): chr9:420,482, G>C. VCF-style: chr9-420482-G-C. GRCh37 (hg19) VCF-style: chr9-420482-G-C.
Other names: c.3622G>C, p.Asp1208His (NM_001190458.2); c.3718G>C, p.Asp1240His (NM_001193536.2); short protein forms D1208H, D1240H, D1308H.
Identifiers: ClinVar variation 1718227 (VCV001718227.6), dbSNP rs2538790167, ClinGen allele CA372763898.

ClinVar aggregate classification (germline): Uncertain significance (1 of 4 stars; one submission).

Conditions:
Combined immunodeficiency due to DOCK8 deficiency (HIES2). Also called: HIES autosomal recessive; Hyper-IgE recurrent infection syndrome, autosomal recessive; HYPER-IgE RECURRENT INFECTION SYNDROME 2, AUTOSOMAL RECESSIVE; HYPER-IgE SYNDROME 2, AUTOSOMAL RECESSIVE, WITH RECURRENT INFECTIONS; DOCK8 Deficiency. Identifiers: Orphanet 217390, MedGen C4722305, MONDO:0009478, OMIM 243700.

Allele frequency attached by ClinVar (database versions not stated): gnomAD exomes below 0.00001.
gnomAD v4.1: 1 of 1,614,124 alleles (0.000062%); highest among the groups gnomAD compares: Non-Finnish European, 0.000085%; no homozygotes.

Submission:

Labcorp Genetics (formerly Invitae), Labcorp
Classification: Uncertain significance for Combined immunodeficiency due to DOCK8 deficiency. Last evaluated: 2022-08-28. Review status: criteria provided, single submitter. Criteria: Invitae Variant Classification Sherloc (09022015). Collection method: clinical testing. Allele origin: germline.
Comment: This sequence change replaces aspartic acid, which is acidic and polar, with histidine, which is basic and polar, at codon 1308 of the DOCK8 protein (p.Asp1308His). This variant is not present in population databases (gnomAD no frequency). This variant has not been reported in the literature in individuals affected with DOCK8-related conditions. Algorithms developed to predict the effect of missense changes on protein structure and function are either unavailable or do not agree on the potential impact of this missense change (SIFT: "Deleterious"; PolyPhen-2: "Possibly Damaging"; Align-GVGD: "Class C0"). In summary, the available evidence is currently insufficient to determine the role of this variant in disease. Therefore, it has been classified as a Variant of Uncertain Significance.